The following is an entry in ClinVar:

ClinVar aggregate classification (germline): Benign. Review status: criteria provided, multiple submitters, no conflicts (2 of 4 stars). 5 submissions from 4 submitters: Benign (5). Last evaluated 2018-06-14.

Conditions:
Wolfram syndrome 1 (WFS1). Identifiers: Orphanet 3463, MedGen C4551693, MONDO:0009101, OMIM 222300.
WFS1-Related Spectrum Disorders.
Autosomal dominant nonsyndromic hearing loss 6 (LFSNHL). Also called: DEAFNESS, AUTOSOMAL DOMINANT 6; DEAFNESS, AUTOSOMAL DOMINANT 14; DEAFNESS, AUTOSOMAL DOMINANT 38; Autosomal dominant nonsyndromic deafness 6; DIDMOAD (Diabetes Insipidus, Diabetes Mellitus, Optic Atrophy, and Deafness). Identifiers: Orphanet 90635, MedGen C1833021, MONDO:0010963, OMIM 600965.

Allele frequency attached by ClinVar (database versions not stated): gnomAD 0.08190 and 0.08221; 1000 Genomes Project 0.08427; 1000 Genomes Project 30x 0.08557; TOPMed 0.08680.
gnomAD v4.1: 45,234 of 566,856 alleles (8%); highest among the groups gnomAD compares: Middle Eastern, 15%; 1,927 homozygotes.

Submissions (5):

GeneDx
Classification: Benign. Last evaluated: 2018-06-14. Review status: criteria provided, single submitter. Criteria: GeneDx Variant Classification Process June 2021. Collection method: clinical testing. Allele origin: germline. Affected: yes.

Illumina Laboratory Services, Illumina
Classification: Benign for Autosomal dominant nonsyndromic hearing loss 6. Last evaluated: 2018-01-13. Review status: criteria provided, single submitter. Criteria: ICSL Variant Classification Criteria 13 December 2019. Collection method: clinical testing. Allele origin: germline.
Comment: This variant was observed in the ICSL laboratory as part of a predisposition screen in an ostensibly healthy population. It had not been previously curated by ICSL or reported in the Human Gene Mutation Database (HGMD: prior to June 1st, 2018), and was therefore a candidate for classification through an automated scoring system. Utilizing variant allele frequency, disease prevalence and penetrance estimates, and inheritance mode, an automated score was calculated to assess if this variant is too frequent to cause the disease. Based on the score and internal cut-off values, a variant classified as benign is not then subjected to further curation. The score for this variant resulted in a classification of benign for this disease.

Illumina Laboratory Services, Illumina
Classification: Benign for WFS1-Related Spectrum Disorders. Last evaluated: 2018-01-13. Review status: criteria provided, single submitter. Criteria: ICSL Variant Classification Criteria 13 December 2019. Collection method: clinical testing. Allele origin: germline.
Comment: the same text as in the submission from Illumina Laboratory Services, Illumina above.

Breakthrough Genomics
Classification: Benign. Review status: criteria provided, single submitter. Criteria: ACMG Guidelines, 2015. Collection method: not provided. Allele origin: germline. Inheritance: Autosomal recessive inheritance. Affected: yes.

Clinical Genomics, Uppaluri K&H Personalized Medicine Clinic
Classification: Benign for Wolfram syndrome 1. Review status: criteria provided, single submitter. Criteria: K & H Uppaluri Personalized Medicine Clinic Variant Classification & Assertion Criteria_Updated V.1. Collection method: research. Allele origin: unknown. Inheritance: Autosomal recessive inheritance.
Comment: Potent mutations in WFS1 gene are associated with Wolfram's syndrome, an autosomal recessive condition, which cause diabetes mellitus, diabetes insipidus, deafness and optic atrophy. However no sufficient evidence is found to ascertain the role of this particular variant rs1046325 in Wolfram's syndrome yet.

Literature cited by the submitters: PubMed 20738327 (cited by Clinical Genomics, Uppaluri K&H Personalized Medicine Clinic); PubMed 33879153 (cited by Clinical Genomics, Uppaluri K&H Personalized Medicine Clinic); PubMed 12955714 (cited by Clinical Genomics, Uppaluri K&H Personalized Medicine Clinic); PubMed 18060660 (cited by Clinical Genomics, Uppaluri K&H Personalized Medicine Clinic); PubMed 20301750 (cited by Clinical Genomics, Uppaluri K&H Personalized Medicine Clinic); PubMed 17603484 (cited by Clinical Genomics, Uppaluri K&H Personalized Medicine Clinic).

NM_006005.3(WFS1):c.*274A>G

Gene: WFS1 (wolframin ER transmembrane glycoprotein; plus strand). Cytogenetic location: 4p16.1.
Variant type: single nucleotide variant.
Coding change: c.*274A>G on transcript NM_006005.3 (MANE Select); 274 bases downstream of the stop codon, A replaced by G.
Molecular consequence: 3 prime UTR variant.
Genome position (GRCh38, 1-based): chr4:6,302,742, A>G. VCF-style: chr4-6302742-A-G. GRCh37 (hg19) VCF-style: chr4-6304469-A-G.
Other names: c.*274A>G (NM_001145853.1).
Identifiers: ClinVar variation 349342 (VCV000349342.9), dbSNP rs1046325, ClinGen allele CA10621445.
Genomic context (GRCh38, chr4:6,302,742, plus strand): 5'-AATTGCATGCCATCTCCACCCTGAGCCTGACCTTTCTGAGTGACATGGGTGTGCCAGGCT[A>G]GACTAGGAGGTTCCGGTGTCTGGAAAAGCACTTTACAGATGAGATTCCCTCTCCTCCCCC-3'